The following is an entry in ClinVar:

ClinVar aggregate classification (germline): Uncertain significance. Review status: criteria provided, multiple submitters, no conflicts (2 of 4 stars). 2 submissions from 2 submitters: Uncertain significance (2). Last evaluated 2023-11-07.

Conditions:
MYH2-related myopathy.
Myopathy, proximal, and ophthalmoplegia (CMYO6). Also called: INCLUSION BODY MYOPATHY 3, AUTOSOMAL DOMINANT; CONGENITAL MYOPATHY 6 WITH OPHTHALMOPLEGIA; MYOPATHY WITH CONGENITAL JOINT CONTRACTURES, OPHTHALMOPLEGIA, AND RIMMED VACUOLES. Identifiers: Orphanet 363677, Orphanet 79091, MedGen C1854106, MONDO:0011577, OMIM 605637.

Allele frequency attached by ClinVar (database versions not stated): gnomAD exomes below 0.00001.
gnomAD v4.1: 5 of 1,614,080 alleles (0.00031%); highest among the groups gnomAD compares: Non-Finnish European, 0.00042%; no homozygotes.

Submissions (2):

Labcorp Genetics (formerly Invitae), Labcorp
Classification: Uncertain significance for Myopathy, proximal, and ophthalmoplegia. Last evaluated: 2023-11-07. Review status: criteria provided, single submitter. Criteria: Invitae Variant Classification Sherloc (09022015). Collection method: clinical testing. Allele origin: germline.
Comment: This sequence change replaces alanine, which is neutral and non-polar, with valine, which is neutral and non-polar, at codon 870 of the MYH2 protein (p.Ala870Val). This variant is not present in population databases (gnomAD no frequency). This variant has not been reported in the literature in individuals affected with MYH2-related conditions. ClinVar contains an entry for this variant (Variation ID: 585068). Advanced modeling of protein sequence and biophysical properties (such as structural, functional, and spatial information, amino acid conservation, physicochemical variation, residue mobility, and thermodynamic stability) performed at Invitae indicates that this missense variant is not expected to disrupt MYH2 protein function with a negative predictive value of 80%. In summary, the available evidence is currently insufficient to determine the role of this variant in disease. Therefore, it has been classified as a Variant of Uncertain Significance.

Revvity Omics, Revvity
Classification: Uncertain significance for Myopathy, proximal, and ophthalmoplegia. Last evaluated: 2019-02-08. Review status: criteria provided, single submitter. Criteria: ACMG Guidelines, 2015. Collection method: clinical testing. Allele origin: germline.

NM_017534.6(MYH2):c.2609C>T (p.Ala870Val)

Genes: MYH2 (myosin heavy chain 2; minus strand), MYHAS (myosin heavy chain gene cluster antisense RNA; plus strand). Cytogenetic location: 17p13.1.
Variant type: single nucleotide variant.
Coding change: c.2609C>T on transcript NM_017534.6 (MANE Select); coding-DNA position 2609, C replaced by T.
Protein change: p.Ala870Val; replaces alanine 870 with valine.
Molecular consequence: missense variant.
Genome position (GRCh38, 1-based): chr17:10,531,721, G>A on the plus strand (C>T on the coding strand, the complement: MYH2 is on the minus strand). VCF-style: chr17-10531721-G-A. GRCh37 (hg19) VCF-style: chr17-10435038-G-A.
Other names: c.2609C>T, p.Ala870Val (NM_001100112.2); short protein forms A870V.
Identifiers: ClinVar variation 585068 (VCV000585068.11), dbSNP rs1567731278, ClinGen allele CA398145279.
Genomic context (GRCh38, chr17:10,531,721, plus strand): 5'-TTTTCTTTCAACAGCGTCACCATCTTTTCTTCCAGTTCCTTCCTTTTTGCCTCTGACTTG[G>A]CAAGTTCGTCTTTAATTTTCTGAAATTCTTCCTTCATGGTGGCCATCTCCTTCTCAGTTT-3'
Protein context (NP_060004.3, residues 860-880): EEFQKIKDEL[Ala870Val]KSEAKRKELE